The following is an entry in ClinVar:

ClinVar aggregate classification (germline): Uncertain significance (1 of 4 stars; one submission).

gnomAD v4.1: 1 of 1,610,408 alleles (0.000062%); highest among the groups gnomAD compares: South Asian, 0.0011%; no homozygotes.

Submission:

GeneDx
Classification: Uncertain significance. Last evaluated: 2025-01-15. Review status: criteria provided, single submitter. Criteria: GeneDx Variant Classification Process June 2021. Collection method: clinical testing. Allele origin: germline. Affected: yes.
Comment: Not observed at significant frequency in large population cohorts (gnomAD); In silico analysis indicates that this variant does not alter splicing; Has not been previously published as pathogenic or benign to our knowledge

NM_014991.6(WDFY3):c.4174+5G>A

Gene: WDFY3 (WD repeat and FYVE domain containing 3; minus strand). Cytogenetic location: 4q21.23.
Variant type: single nucleotide variant.
Coding change: c.4174+5G>A on transcript NM_014991.6 (MANE Select); 5 bases into the intron after coding-DNA position 4174, G replaced by A.
Molecular consequence: intron variant.
Genome position (GRCh38, 1-based): chr4:84,782,958, C>T on the plus strand (G>A on the coding strand, the complement: WDFY3 is on the minus strand). VCF-style: chr4-84782958-C-T. GRCh37 (hg19) VCF-style: chr4-85704111-C-T.
Identifiers: ClinVar variation 4070792 (VCV004070792.1).
Genomic context (GRCh38, chr4:84,782,958, plus strand): 5'-GGAAAGTGAATGCAAACTTGATGGCAAATAAAGAAGTTTGAAACAACAAAGATAAGTCCA[C>T]TCACCCAAGTATCCAATCAGAGCGGCCCCAATTGTCCGTGCAGATCCATTAAGATGTCCT-3'